The following is an entry in ClinVar:

ClinVar aggregate classification (germline): Uncertain significance (1 of 4 stars; one submission).

Conditions:
Hereditary spastic paraplegia 11. Also called: Nakamura Osame syndrome; Autosomal recessive hereditary spastic paraplegia, mental impairment, and thin corpus callosum; Spastic paraplegia, mental retardation and thin corpus callosum; SPASTIC PARAPLEGIA, AUTOSOMAL RECESSIVE, COMPLICATED, WITH THIN CORPUS CALLOSUM; SPASTIC PARAPLEGIA, AUTOSOMAL RECESSIVE, WITH MENTAL IMPAIRMENT AND THIN CORPUS CALLOSUM; Spastic Paraplegia 11. Identifiers: Orphanet 2822, MedGen C1858479, MONDO:0011445, OMIM 604360.

Submission:

Labcorp Genetics (formerly Invitae), Labcorp
Classification: Uncertain significance for Hereditary spastic paraplegia 11. Last evaluated: 2020-05-13. Review status: criteria provided, single submitter. Criteria: Invitae Variant Classification Sherloc (09022015). Collection method: clinical testing. Allele origin: germline.
Comment: This sequence change replaces lysine with glutamine at codon 660 of the SPG11 protein (p.Lys660Gln). The lysine residue is moderately conserved and there is a small physicochemical difference between lysine and glutamine. This variant is not present in population databases (ExAC no frequency). In summary, the available evidence is currently insufficient to determine the role of this variant in disease. Therefore, it has been classified as a Variant of Uncertain Significance. Algorithms developed to predict the effect of sequence changes on RNA splicing suggest that this variant may create or strengthen a splice site, but this prediction has not been confirmed by published transcriptional studies. Algorithms developed to predict the effect of missense changes on protein structure and function are either unavailable or do not agree on the potential impact of this missense change (SIFT: "Tolerated"; PolyPhen-2: "Possibly Damaging"; Align-GVGD: "Class C0"). This variant has not been reported in the literature in individuals with SPG11-related conditions.

NM_025137.4(SPG11):c.1978A>C (p.Lys660Gln)

Gene: SPG11 (SPG11 vesicle trafficking associated, spatacsin; minus strand). Cytogenetic location: 15q21.1.
Variant type: single nucleotide variant.
Coding change: c.1978A>C on transcript NM_025137.4 (MANE Select); coding-DNA position 1978, A replaced by C.
Protein change: p.Lys660Gln; replaces lysine 660 with glutamine.
Molecular consequence: missense variant.
Genome position (GRCh38, 1-based): chr15:44,628,758, T>G on the plus strand (A>C on the coding strand, the complement: SPG11 is on the minus strand). VCF-style: chr15-44628758-T-G. GRCh37 (hg19) VCF-style: chr15-44920956-T-G.
Other names: c.1978A>C, p.Lys660Gln (NM_001160227.2); short protein forms K660Q.
Identifiers: ClinVar variation 1060875 (VCV001060875.9), dbSNP rs2141043505, ClinGen allele CA392234250.